The following is an entry in ClinVar:

NM_001868.4(CPA1):c.331G>A (p.Ala111Thr)

Gene: CPA1 (carboxypeptidase A1; plus strand). Cytogenetic location: 7q32.2.
Variant type: single nucleotide variant.
Coding change: c.331G>A on transcript NM_001868.4 (MANE Select); coding-DNA position 331, G replaced by A.
Protein change: p.Ala111Thr; replaces alanine 111 with threonine.
Molecular consequence: missense variant.
Genome position (GRCh38, 1-based): chr7:130,381,813, G>A. VCF-style: chr7-130381813-G-A. GRCh37 (hg19) VCF-style: chr7-130021654-G-A.
Other names: short protein forms A111T.
Identifiers: ClinVar variation 2842360 (VCV002842360.3), dbSNP rs2536005483, ClinGen allele CA369280396.

ClinVar aggregate classification (germline): Uncertain significance (1 of 4 stars; one submission).

Submission:

Labcorp Genetics (formerly Invitae), Labcorp
Classification: Uncertain significance. Last evaluated: 2024-04-15. Review status: criteria provided, single submitter. Criteria: Invitae Variant Classification Sherloc (09022015). Collection method: clinical testing. Allele origin: germline.
Comment: This sequence change replaces alanine, which is neutral and non-polar, with threonine, which is neutral and polar, at codon 111 of the CPA1 protein (p.Ala111Thr). This variant is not present in population databases (gnomAD no frequency). This variant has not been reported in the literature in individuals affected with CPA1-related conditions. Advanced modeling of protein sequence and biophysical properties (such as structural, functional, and spatial information, amino acid conservation, physicochemical variation, residue mobility, and thermodynamic stability) performed at Invitae indicates that this missense variant is not expected to disrupt CPA1 protein function with a negative predictive value of 80%. In summary, the available evidence is currently insufficient to determine the role of this variant in disease. Therefore, it has been classified as a Variant of Uncertain Significance.